The following is an entry in ClinVar:

NM_001614.5(ACTG1):c.430G>A (p.Ala144Thr)

Gene: ACTG1 (actin gamma 1; minus strand). Cytogenetic location: 17q25.3.
Variant type: single nucleotide variant.
Coding change: c.430G>A on transcript NM_001614.5 (MANE Select); coding-DNA position 430, G replaced by A.
Protein change: p.Ala144Thr; replaces alanine 144 with threonine.
Molecular consequence: missense variant. On other transcripts: non-coding transcript variant (1).
Genome position (GRCh38, 1-based): chr17:81,511,560, C>T on the plus strand (G>A on the coding strand, the complement: ACTG1 is on the minus strand). VCF-style: chr17-81511560-C-T. GRCh37 (hg19) VCF-style: chr17-79478586-C-T.
Other names: c.430G>A, p.Ala144Thr (NM_001199954.3); short protein forms A144T.
Identifiers: ClinVar variation 434079 (VCV000434079.13), dbSNP rs11549196, ClinGen allele CA401461230.

ClinVar aggregate classification (germline): Conflicting classifications of pathogenicity. Review status: criteria provided, conflicting classifications (1 of 4 stars). 5 submissions from 5 submitters: Pathogenic (2); Likely pathogenic (1); Uncertain significance (2). Last evaluated 2025-04-15.

Conditions:
Autosomal dominant nonsyndromic hearing loss 20. Identifiers: Orphanet 90635, MedGen C1858172, MONDO:0011480, OMIM 604717.
Baraitser-winter syndrome 2. Identifiers: Orphanet 2995, MedGen C3281235, MONDO:0013812, OMIM 614583.

Submissions (5):

Victorian Clinical Genetics Services, Murdoch Childrens Research Institute
Classification: Pathogenic for Baraitser-winter syndrome 2. Last evaluated: 2025-04-15. Review status: criteria provided, single submitter. Criteria: ACMG Guidelines, 2015. Collection method: clinical testing. Allele origin: germline. Affected: yes.
Comment: This variant is classified as Pathogenic. Evidence in support of pathogenic classification: Variant is absent from gnomAD (v2, v3 and v4); This variant has limited previous evidence of pathogenicity in unrelated individuals. This variant has been classified as likely pathogenic by a clinical laboratory in ClinVar. It has also been classified as a VUS in an individual with developmental delay, pachygyria and hypotonia (ClinVar; personal correspondence); Other missense variants comparable to the one identified in this case have moderate previous evidence for pathogenicity. The p.(Ala144Val) variant has been classified as likely pathogenic by a clinical laboratory in ClinVar, and shown to be de novo in a child with dysmorphic features, seizures and hypotonia (Invitae personal correspondence). In addition, the p.(Ala144Pro) variant has been reported to be de novo in a fetus with multiple congenital abnormalities, cleft palate and severe micrognathia. It was classified as likely pathogenic and listed as an explanation for the craniofacial features (LOVD personal correspondence); Missense variant in a region that is highly intolerant to missense variation (high constraint region in DECIPHER); Missense variant predicted to be damaging by in silico tool(s) or highly conserved with a major amino acid change; Additional information: Variant is predicted to result in a missense amino acid change from alanine to threonine; This variant is heterozygous; This gene is associated with autosomal dominant disease; No published segregation evidence has been identified for this variant; No published functional evidence has been identified for this variant; Gain of function is a known mechanism of disease in this gene and is associated with Baraitser-Winter syndrome 2 (MIM#614583), and deafness, autosomal dominant 20/26 (MIM#604717). Missense variants in this gene have been shown to increase actin polymerisation (PMID: 19477959), and the same variants have been reported for both conditions (PMID: 29620237).

GeneDx
Classification: Pathogenic. Last evaluated: 2024-11-25. Review status: criteria provided, single submitter. Criteria: GeneDx Variant Classification Process June 2021. Collection method: clinical testing. Allele origin: germline. Affected: yes.
Comment: Not observed at significant frequency in large population cohorts (gnomAD); In silico analysis supports that this missense variant has a deleterious effect on protein structure/function; Missense variants in this gene are a common cause of disease and they are underrepresented in the general population; Has not been previously published as pathogenic or benign to our knowledge; This variant is associated with the following publications: (PMID: 38684303)

Labcorp Genetics (formerly Invitae), Labcorp
Classification: Uncertain significance for Baraitser-winter syndrome 2; Autosomal dominant nonsyndromic hearing loss 20. Last evaluated: 2023-08-03. Review status: criteria provided, single submitter. Criteria: Invitae Variant Classification Sherloc (09022015). Collection method: clinical testing. Allele origin: germline.
Comment: In summary, the available evidence is currently insufficient to determine the role of this variant in disease. Therefore, it has been classified as a Variant of Uncertain Significance. ClinVar contains an entry for this variant (Variation ID: 434079). This sequence change replaces alanine, which is neutral and non-polar, with threonine, which is neutral and polar, at codon 144 of the ACTG1 protein (p.Ala144Thr). This variant is not present in population databases (gnomAD no frequency). This variant has not been reported in the literature in individuals affected with ACTG1-related conditions. Advanced modeling of protein sequence and biophysical properties (such as structural, functional, and spatial information, amino acid conservation, physicochemical variation, residue mobility, and thermodynamic stability) performed at Invitae indicates that this missense variant is not expected to disrupt ACTG1 protein function. This variant disrupts the p.Ala144 amino acid residue in ACTG1. Other variant(s) that disrupt this residue have been determined to be pathogenic (Invitae). This suggests that this residue is clinically significant, and that variants that disrupt this residue are likely to be disease-causing.

Blueprint Genetics
Classification: Uncertain significance. Last evaluated: 2021-01-12. Review status: criteria provided, single submitter. Criteria: ACMG Guidelines, 2015. Collection method: clinical testing. Allele origin: germline.

Genetic Services Laboratory, University of Chicago
Classification: Likely pathogenic for Baraitser-Winter syndrome 2. Last evaluated: 2016-05-03. Review status: criteria provided, single submitter. Criteria: ACMG Guidelines, 2015. Collection method: clinical testing. Allele origin: germline. Affected: yes.

Literature cited by the submitters: PubMed 29620237 (cited by Victorian Clinical Genetics Services, Murdoch Childrens Research Institute); PubMed 19477959 (cited by Victorian Clinical Genetics Services, Murdoch Childrens Research Institute).